The following is an entry in ClinVar:

NM_015634.4(KIFBP):c.1205A>G (p.Tyr402Cys)

Gene: KIFBP (kinesin family binding protein; plus strand). Cytogenetic location: 10q22.1.
Variant type: single nucleotide variant.
Coding change: c.1205A>G on transcript NM_015634.4 (MANE Select); coding-DNA position 1205, A replaced by G.
Protein change: p.Tyr402Cys; replaces tyrosine 402 with cysteine.
Molecular consequence: missense variant.
Genome position (GRCh38, 1-based): chr10:69,015,755, A>G. VCF-style: chr10-69015755-A-G. GRCh37 (hg19) VCF-style: chr10-70775511-A-G.
Other names: c.1205A>G (NM_015634.3); short protein forms Y402C.
Identifiers: ClinVar variation 2181569 (VCV002181569.5), dbSNP rs756457508, ClinGen allele CA5529868.

ClinVar aggregate classification (germline): Uncertain significance. Review status: criteria provided, multiple submitters, no conflicts (2 of 4 stars). 2 submissions from 2 submitters: Uncertain significance (2). Last evaluated 2025-06-07.

Allele frequency attached by ClinVar (database versions not stated): ExAC 0.00001; gnomAD exomes 0.00001; gnomAD 0.00005; TOPMed 0.00009.
gnomAD v4.1: 21 of 1,614,096 alleles (0.0013%); highest among the groups gnomAD compares: African/African-American, 0.017%; no homozygotes.

Submissions (2):

Ambry Genetics
Classification: Uncertain significance. Last evaluated: 2025-06-07. Review status: criteria provided, single submitter. Criteria: Ambry Variant Classification Scheme 2023. Collection method: clinical testing. Allele origin: germline.

Labcorp Genetics (formerly Invitae), Labcorp
Classification: Uncertain significance. Last evaluated: 2022-07-17. Review status: criteria provided, single submitter. Criteria: Invitae Variant Classification Sherloc (09022015). Collection method: clinical testing. Allele origin: germline.
Comment: This variant has not been reported in the literature in individuals affected with KIF1BP-related conditions. Algorithms developed to predict the effect of missense changes on protein structure and function are either unavailable or do not agree on the potential impact of this missense change (SIFT: "Deleterious"; PolyPhen-2: "Benign"; Align-GVGD: "Class C25"). In summary, the available evidence is currently insufficient to determine the role of this variant in disease. Therefore, it has been classified as a Variant of Uncertain Significance. This variant is present in population databases (rs756457508, gnomAD 0.01%). This sequence change replaces tyrosine, which is neutral and polar, with cysteine, which is neutral and slightly polar, at codon 402 of the KIF1BP protein (p.Tyr402Cys).